The following is an entry in ClinVar:

ClinVar aggregate classification (germline): Uncertain significance. Review status: criteria provided, multiple submitters, no conflicts (2 of 4 stars). 3 submissions from 3 submitters: Uncertain significance (3). Last evaluated 2024-02-25.

Conditions:
Hereditary cancer-predisposing syndrome. Also called: Hereditary neoplastic syndrome; Hereditary Cancer Syndrome; Neoplastic Syndromes, Hereditary; Tumor predisposition. Identifiers: Orphanet 140162, MedGen C0027672, MeSH D009386, MONDO:0015356.
Patterned macular dystrophy 2. Identifiers: Orphanet 99001, MedGen C1837029, MONDO:0012162, OMIM 608970.

Submissions (3):

Baylor Genetics
Classification: Uncertain significance for Patterned macular dystrophy 2. Last evaluated: 2024-02-25. Review status: criteria provided, single submitter. Criteria: ACMG Guidelines, 2015. Collection method: clinical testing. Allele origin: unknown.

Labcorp Genetics (formerly Invitae), Labcorp
Classification: Uncertain significance. Last evaluated: 2024-01-18. Review status: criteria provided, single submitter. Criteria: Invitae Variant Classification Sherloc (09022015). Collection method: clinical testing. Allele origin: germline.
Comment: This variant, c.827_829del, results in the deletion of 1 amino acid(s) of the CTNNA1 protein (p.Gly276del), but otherwise preserves the integrity of the reading frame. This variant is not present in population databases (gnomAD no frequency). This variant has not been reported in the literature in individuals affected with CTNNA1-related conditions. Experimental studies and prediction algorithms are not available or were not evaluated, and the functional significance of this variant is currently unknown. In summary, the available evidence is currently insufficient to determine the role of this variant in disease. Therefore, it has been classified as a Variant of Uncertain Significance.

Ambry Genetics
Classification: Uncertain significance for Hereditary cancer-predisposing syndrome. Last evaluated: 2023-10-19. Review status: criteria provided, single submitter. Criteria: Ambry Variant Classification Scheme 2023. Collection method: clinical testing. Allele origin: germline.
Comment: The c.827_829delGAG variant (also known as p.G276del) is located in coding exon 5 of the CTNNA1 gene. This variant results from an in-frame GAG deletion at nucleotide positions 827 to 829. This results in the in-frame deletion of a glycine at codon 276. This amino acid position is highly conserved in available vertebrate species. The evidence for this gene-disease relationship is limited; therefore, the clinical significance of this alteration is unclear.

NM_001903.5(CTNNA1):c.818GAG[3] (p.Gly276del)

Gene: CTNNA1 (catenin alpha 1; plus strand). Cytogenetic location: 5q31.2.
Variant type: Microsatellite.
Coding change: c.818GAG[3] on transcript NM_001903.5 (MANE Select); three copies in a row of the 3-base unit GAG starting at c.818; the reference has four copies in a row; one copy, 3 bases deleted; also written c.827_829del.
Protein change: p.Gly276del; deletes glycine 276.
Molecular consequence: inframe deletion.
Genome position (GRCh38, 1-based): chr5:138,824,768-138,824,770, GAG deleted; deleting any 3 consecutive bases within chr5:138,824,758-138,824,770 gives the same sequence; the position shown is the placement nearest the transcript's 3' end. VCF-style (leftmost placement, unchanged base first): chr5-138824757-TGGA-T. GRCh37 (hg19) VCF-style: chr5-138160446-TGGA-T.
Other names: c.827_829del (NM_001903.5); c.449GAG[3], p.Gly153del (NM_001290310.3); c.818GAG[3], p.Gly276del (NM_001323982.2, NM_001323983.1, NM_001323984.2 and 3 more transcripts); c.509GAG[3], p.Gly173del (NM_001290309.3); short protein forms G276del, G153del, G173del.
Identifiers: ClinVar variation 1406782 (VCV001406782.8), dbSNP rs758909445, ClinGen allele CA563498149.